The following is an entry in ClinVar:

NM_001372.4(DNAH9):c.10765G>A (p.Ala3589Thr)

Genes: DNAH9 (dynein axonemal heavy chain 9; plus strand), LOC101928350 (uncharacterized LOC101928350; minus strand). Cytogenetic location: 17p12.
Variant type: single nucleotide variant.
Coding change: c.10765G>A on transcript NM_001372.4 (MANE Select); coding-DNA position 10765, G replaced by A.
Protein change: p.Ala3589Thr; replaces alanine 3589 with threonine.
Molecular consequence: missense variant.
Genome position (GRCh38, 1-based): chr17:11,881,372, G>A. VCF-style: chr17-11881372-G-A. GRCh37 (hg19) VCF-style: chr17-11784689-G-A.
Other names: c.10765G>A (NM_001372.3); short protein forms A3589T.
Identifiers: ClinVar variation 1417772 (VCV001417772.4), dbSNP rs141804167, ClinGen allele CA8397621.

ClinVar aggregate classification (germline): Uncertain significance. Review status: criteria provided, multiple submitters, no conflicts (2 of 4 stars). 2 submissions from 2 submitters: Uncertain significance (2). Last evaluated 2025-08-02.

Conditions:
Inborn genetic diseases. Identifiers: MedGen C0950123, MeSH D030342.

Allele frequency attached by ClinVar (database versions not stated): gnomAD 0.00004; ESP Exome Variant Server 0.00023.
gnomAD v4.1: 45 of 1,613,690 alleles (0.0028%); highest among the groups gnomAD compares: African/African-American, 0.013%; no homozygotes.

Submissions (2):

Ambry Genetics
Classification: Uncertain significance for Inborn genetic diseases. Last evaluated: 2025-08-02. Review status: criteria provided, single submitter. Criteria: Ambry Variant Classification Scheme 2023. Collection method: clinical testing. Allele origin: germline.

Labcorp Genetics (formerly Invitae), Labcorp
Classification: Uncertain significance. Last evaluated: 2022-08-23. Review status: criteria provided, single submitter. Criteria: Invitae Variant Classification Sherloc (09022015). Collection method: clinical testing. Allele origin: germline.
Comment: This sequence change replaces alanine, which is neutral and non-polar, with threonine, which is neutral and polar, at codon 3589 of the DNAH9 protein (p.Ala3589Thr). This variant is present in population databases (rs141804167, gnomAD 0.009%). This variant has not been reported in the literature in individuals affected with DNAH9-related conditions. ClinVar contains an entry for this variant (Variation ID: 1417772). Algorithms developed to predict the effect of missense changes on protein structure and function (SIFT, PolyPhen-2, Align-GVGD) all suggest that this variant is likely to be tolerated. In summary, the available evidence is currently insufficient to determine the role of this variant in disease. Therefore, it has been classified as a Variant of Uncertain Significance.